The following is an entry in ClinVar:

NM_002063.4(GLRA2):c.1350C>G (p.His450Gln)

Genes: FANCB (FA complementation group B; minus strand), GLRA2 (glycine receptor alpha 2; plus strand). Cytogenetic location: Xp22.2.
Variant type: single nucleotide variant.
Coding change: c.1350C>G on transcript NM_002063.4 (MANE Select); coding-DNA position 1350, C replaced by G.
Protein change: p.His450Gln; replaces histidine 450 with glutamine.
Molecular consequence: missense variant.
Genome position (GRCh38, 1-based): chrX:14,730,476, C>G. VCF-style: chrX-14730476-C-G. GRCh37 (hg19) VCF-style: chrX-14748598-C-G.
Other names: c.1350C>G, p.His450Gln (NM_001118885.2, NM_001118886.2); c.1083C>G, p.His361Gln (NM_001171942.2); short protein forms H361Q, H450Q.
Identifiers: ClinVar variation 2660039 (VCV002660039.24), dbSNP rs2091979109, ClinGen allele CA412436593.

ClinVar aggregate classification (germline): Uncertain significance (1 of 4 stars; one submission).

Submission:

CeGaT Center for Human Genetics Tuebingen
Classification: Uncertain significance. Last evaluated: 2022-11-01. Review status: criteria provided, single submitter. Criteria: CeGaT Center For Human Genetics Tuebingen Variant Classification Criteria Version 2. Collection method: clinical testing. Allele origin: germline. Affected: yes. Observed: 1 variant allele.
Comment: GLRA2: PM2